The following is an entry in ClinVar:

NM_001142864.4(PIEZO1):c.1591C>T (p.Arg531Cys)

Genes: HSALR1 (HSP90AB1 associated lncRNA 1; plus strand), PIEZO1 (piezo type mechanosensitive ion channel component 1 (Er blood group); minus strand). Cytogenetic location: 16q24.3.
Variant type: single nucleotide variant.
Coding change: c.1591C>T on transcript NM_001142864.4 (MANE Select); coding-DNA position 1591, C replaced by T.
Protein change: p.Arg531Cys; replaces arginine 531 with cysteine.
Molecular consequence: missense variant.
Genome position (GRCh38, 1-based): chr16:88,735,213, G>A on the plus strand (C>T on the coding strand, the complement: PIEZO1 is on the minus strand). VCF-style: chr16-88735213-G-A. GRCh37 (hg19) VCF-style: chr16-88801621-G-A.
Other names: p.Arg531Cys; c.1591C>T (NM_001142864.3); short protein forms R531C.
Identifiers: ClinVar variation 811346 (VCV000811346.23), dbSNP rs146505418, ClinGen allele CA8232962.
Genomic context (GRCh38, chr16:88,735,213, plus strand): 5'-CCTCCGTCAGCGCAGCTGGAGACTCTGCCCACTTCAGCAGCTTCTCTTTCACAAACTGGC[G>A]CAGCAGGAGCCAGAAGGTCAGGGTGTAGAGCAACTGTGACAAGCGCAGGGTGTCACAGTC-3'
Protein context (NP_001136336.2, residues 521-541): LYTLTFWLLL[Arg531Cys]QFVKEKLLKW

ClinVar aggregate classification (germline): Conflicting classifications of pathogenicity. Review status: criteria provided, conflicting classifications (1 of 4 stars). 8 submissions from 8 submitters: Uncertain significance (5); Benign (1); Likely benign (1). 1 of the submissions does not count toward it. Last evaluated 2025-10-26.

Conditions:
PIEZO1-related disorder. Also called: PIEZO1-related condition; PIEZO1-Related Disorders.
Inborn genetic diseases. Identifiers: MedGen C0950123, MeSH D030342.

Allele frequency attached by ClinVar (database versions not stated): ExAC 0.00029; 1000 Genomes Project 30x 0.00031; 1000 Genomes Project 0.00040; gnomAD exomes 0.00044; gnomAD 0.00065 and 0.00068; TOPMed 0.00070; ESP Exome Variant Server 0.00088.
gnomAD v4.1: 1,336 of 1,550,318 alleles (0.086%); highest among the groups gnomAD compares: Non-Finnish European, 0.11%; 2 homozygotes.

Submissions (8):

Labcorp Genetics (formerly Invitae), Labcorp
Classification: Benign. Last evaluated: 2025-10-26. Review status: criteria provided, single submitter. Criteria: Invitae Variant Classification Sherloc (09022015). Collection method: clinical testing. Allele origin: germline.

Revvity Omics, Revvity
Classification: Likely benign. Last evaluated: 2024-10-18. Review status: criteria provided, single submitter. Criteria: ACMG Guidelines, 2015. Collection method: clinical testing. Allele origin: germline.

Mayo Clinic Laboratories, Mayo Clinic
Classification: Uncertain significance. Last evaluated: 2024-04-08. Review status: criteria provided, single submitter. Criteria: ACMG Guidelines, 2015. Collection method: clinical testing. Allele origin: germline. Observed: 2 variant alleles.

ARUP Laboratories, Molecular Genetics and Genomics, ARUP Laboratories
Classification: Uncertain significance. Last evaluated: 2023-12-30. Review status: criteria provided, single submitter. Criteria: ARUP Molecular Germline Variant Investigation Process 2024. Collection method: clinical testing. Allele origin: germline.
Comment: The PIEZO1 c.1591C>T; p.Arg531Cys variant (rs146505418), to our knowledge, is not reported in the medical literature but is reported in ClinVar (Variation ID: 811346). This variant is found in the general population with an overall allele frequency of 0.047 % (89/187,772 alleles) in the Genome Aggregation Database(v2.1.1). Computational analyses are uncertain whether this variant is neutral or deleterious (REVEL: 0.462). Due to limited information, the clinical significance of the p.Arg531Cys variant is uncertain at this time.

GeneDx
Classification: Uncertain significance. Last evaluated: 2022-06-28. Review status: criteria provided, single submitter. Criteria: GeneDx Variant Classification Process June 2021. Collection method: clinical testing. Allele origin: germline. Affected: yes.
Comment: In silico analysis supports that this missense variant has a deleterious effect on protein structure/function; Has not been previously published as pathogenic or benign to our knowledge

Ambry Genetics
Classification: Uncertain significance for Inborn genetic diseases. Last evaluated: 2022-06-06. Review status: criteria provided, single submitter. Criteria: Ambry Variant Classification Scheme 2023. Collection method: clinical testing. Allele origin: germline.

Breakthrough Genomics
Classification: Uncertain significance. Review status: criteria provided, single submitter. Criteria: ACMG Guidelines, 2015. Collection method: not provided. Allele origin: germline. Inheritance: Autosomal recessive inheritance. Affected: yes.

PreventionGenetics, part of Exact Sciences
Classification: Uncertain significance for PIEZO1-related condition. Last evaluated: 2024-06-07. Review status: no assertion criteria provided. Collection method: clinical testing. Allele origin: germline. Not counted in ClinVar's aggregate classification.
Comment: The PIEZO1 c.1591C>T variant is predicted to result in the amino acid substitution p.Arg531Cys. To our knowledge, this variant has not been reported in the literature in individuals with PIEZO1-related disorders. This variant is reported in 0.090% of alleles in individuals of European (Non-Finnish) descent in gnomAD, which may be too common to be causative. Although we suspect that this variant may be benign, at this time, the clinical significance of this variant is uncertain due to the absence of conclusive functional and genetic evidence.